The following is an entry in ClinVar:

NM_000163.5(GHR):c.338A>G (p.Tyr113Cys)

Gene: GHR (growth hormone receptor; plus strand). Cytogenetic location: 5p12.
Variant type: single nucleotide variant.
Coding change: c.338A>G on transcript NM_000163.5 (MANE Select); coding-DNA position 338, A replaced by G.
Protein change: p.Tyr113Cys; replaces tyrosine 113 with cysteine.
Molecular consequence: missense variant.
Genome position (GRCh38, 1-based): chr5:42,694,988, A>G. VCF-style: chr5-42694988-A-G. GRCh37 (hg19) VCF-style: chr5-42695090-A-G.
Other names: c.359A>G, p.Tyr120Cys (NM_001242399.2); c.338A>G, p.Tyr113Cys (NM_001242400.2, NM_001242401.4, NM_001242402.2 and 5 more transcripts); c.272A>G, p.Tyr91Cys (NM_001242460.2); short protein forms Y91C, Y113C, Y120C.
Identifiers: ClinVar variation 4696866 (VCV004696866.1).

ClinVar aggregate classification (germline): Uncertain significance (1 of 4 stars; one submission).

Submission:

Labcorp Genetics (formerly Invitae), Labcorp
Classification: Uncertain significance. Last evaluated: 2025-06-20. Review status: criteria provided, single submitter. Criteria: Invitae Variant Classification Sherloc (09022015). Collection method: clinical testing. Allele origin: germline.
Comment: This sequence change replaces tyrosine, which is neutral and polar, with cysteine, which is neutral and slightly polar, at codon 113 of the GHR protein (p.Tyr113Cys). This variant is not present in population databases (gnomAD no frequency). This variant has not been reported in the literature in individuals affected with GHR-related conditions. Invitae Evidence Modeling of protein sequence and biophysical properties (such as structural, functional, and spatial information, amino acid conservation, physicochemical variation, residue mobility, and thermodynamic stability) has been performed for this missense variant. However, the output from this modeling did not meet the statistical confidence thresholds required to predict the impact of this variant on GHR protein function. In summary, the available evidence is currently insufficient to determine the role of this variant in disease. Therefore, it has been classified as a Variant of Uncertain Significance.